The following is an entry in ClinVar:

NM_001034850.3(RETREG1):c.538A>G (p.Ile180Val)

Gene: RETREG1 (reticulophagy regulator 1; minus strand). Cytogenetic location: 5p15.1.
Variant type: single nucleotide variant.
Coding change: c.538A>G on transcript NM_001034850.3 (MANE Select); coding-DNA position 538, A replaced by G.
Protein change: p.Ile180Val; replaces isoleucine 180 with valine.
Molecular consequence: missense variant.
Genome position (GRCh38, 1-based): chr5:16,483,393, T>C on the plus strand (A>G on the coding strand, the complement: RETREG1 is on the minus strand). VCF-style: chr5-16483393-T-C. GRCh37 (hg19) VCF-style: chr5-16483502-T-C.
Other names: c.115A>G, p.Ile39Val (NM_019000.5); short protein forms I180V, I39V.
Identifiers: ClinVar variation 1969884 (VCV001969884.5), dbSNP rs764208459, ClinGen allele CA3210420.
Genomic context (GRCh38, chr5:16,483,393, plus strand): 5'-CTGGAAAACTTGCCTTGCCAGGGCTCTGCTGTTTAAAAAGAGACATTTCTTGAAGAAATA[T>C]GCTGAAATTCATCCATGATTCTGCAATACAGTGGCTGAGCCTGGGTCTTTCATCTGGTTT-3'
Protein context (NP_001030022.1, residues 170-190): CIAESWMNFS[Ile180Val]FLQEMSLFKQ

ClinVar aggregate classification (germline): Uncertain significance (1 of 4 stars; one submission).

Allele frequency attached by ClinVar (database versions not stated): gnomAD exomes 0.00001; ExAC 0.00003.
gnomAD v4.1: 17 of 1,613,478 alleles (0.0011%); highest among the groups gnomAD compares: Middle Eastern, 0.016%; no homozygotes.

Submission:

Labcorp Genetics (formerly Invitae), Labcorp
Classification: Uncertain significance. Last evaluated: 2022-01-21. Review status: criteria provided, single submitter. Criteria: Invitae Variant Classification Sherloc (09022015). Collection method: clinical testing. Allele origin: germline.
Comment: This sequence change replaces isoleucine, which is neutral and non-polar, with valine, which is neutral and non-polar, at codon 180 of the RETREG1 protein (p.Ile180Val). This variant is present in population databases (rs764208459, gnomAD 0.02%). This variant has not been reported in the literature in individuals affected with RETREG1-related conditions. Algorithms developed to predict the effect of missense changes on protein structure and function output the following: SIFT: "Tolerated"; PolyPhen-2: "Benign"; Align-GVGD: "Class C0". The valine amino acid residue is found in multiple mammalian species, which suggests that this missense change does not adversely affect protein function. In summary, the available evidence is currently insufficient to determine the role of this variant in disease. Therefore, it has been classified as a Variant of Uncertain Significance.